The following is an entry in ClinVar:

NM_000501.4(ELN):c.1942G>T (p.Gly648Ter)

Gene: ELN (elastin; plus strand). Cytogenetic location: 7q11.23.
Variant type: single nucleotide variant.
Coding change: c.1942G>T on transcript NM_000501.4 (MANE Select); coding-DNA position 1942, G replaced by T.
Protein change: p.Gly648Ter; replaces glycine 648 with a stop codon.
Molecular consequence: nonsense.
Genome position (GRCh38, 1-based): chr7:74,063,644, G>T. VCF-style: chr7-74063644-G-T. GRCh37 (hg19) VCF-style: chr7-73477974-G-T.
Other names: c.1855G>T, p.Gly619Ter (NM_001081752.3); c.1900G>T, p.Gly634Ter (NM_001081753.3); c.1957G>T, p.Gly653Ter (NM_001081754.3); c.1885G>T, p.Gly629Ter (NM_001081755.3); c.1942G>T, p.Gly648Ter (NM_001278912.2); c.1699G>T, p.Gly567Ter (NM_001278913.2); c.1870G>T, p.Gly624Ter (NM_001278914.2); c.1960G>T, p.Gly654Ter (NM_001278915.2); and 4 more; short protein forms G559*, G567*, G600*, G619*, G624*, G629*, G634*, G638*.
Identifiers: ClinVar variation 4886980 (VCV004886980.1).

ClinVar aggregate classification (germline): Pathogenic (1 of 4 stars; one submission).

Conditions:
Fetal anomalies with a likely genetic cause.

Submission:

Genetics Laboratory, Great Ormond Street Hospital NHS Foundation Trust, North Thames Genomic Laboratory Hub
Classification: Pathogenic for Fetal anomalies with a likely genetic cause. Last evaluated: 2026-06-30. Review status: criteria provided, single submitter. Criteria: ACGS Best Practice Guidelines for Variant Classification in Rare Disease 2024 v1.2. Collection method: clinical testing. Allele origin: germline. Affected: yes.
Comment: PM2_moderate, PVS1_very-strong